The following is an entry in ClinVar:

ClinVar aggregate classification (germline): Conflicting classifications of pathogenicity. Review status: criteria provided, conflicting classifications (1 of 4 stars). 8 submissions from 8 submitters: Uncertain significance (6); Likely benign (2). Last evaluated 2026-05-08.

Conditions:
TTN-related disorder. Also called: TTN-related disorders; TTN-related condition; TTN-related disease.
Cardiovascular phenotype. Identifiers: MedGen CN230736.
Hypertrophic cardiomyopathy 9. Also called: Familial hypertrophic cardiomyopathy 9. Identifiers: MedGen C1861065, MONDO:0013412, OMIM 613765.
Dilated cardiomyopathy 1G (CMD1G). Identifiers: Orphanet 154, MedGen C1858763, MONDO:0011400, OMIM 604145.

Allele frequency attached by ClinVar (database versions not stated): gnomAD 0.00004; TOPMed 0.00005; gnomAD exomes 0.00008 and 0.00010; ESP Exome Variant Server 0.00017; ExAC 0.00019.
gnomAD v4.1: 119 of 1,612,218 alleles (0.0074%); highest among the groups gnomAD compares: Non-Finnish European, 0.0092%; no homozygotes.

Submissions (8):

PreventionGenetics, part of Exact Sciences
Classification: Uncertain significance for TTN-related condition. Last evaluated: 2026-05-08. Review status: criteria provided, single submitter. Criteria: ACMG Guidelines, 2015. Collection method: clinical testing. Allele origin: germline.
Comment: The TTN c.65649G>T variant is predicted to result in the amino acid substitution p.Leu21883Phe. To our knowledge, this variant has not been reported in the literature. This variant is reported in 0.021% of alleles in individuals of European (Non-Finnish) descent in gnomAD. At this time, the clinical significance of this variant is uncertain due to the absence of conclusive functional and genetic evidence.

CeGaT Center for Human Genetics Tuebingen
Classification: Uncertain significance. Last evaluated: 2026-04-01. Review status: criteria provided, single submitter. Criteria: CeGaT Center For Human Genetics Tuebingen Variant Classification Criteria Version 2. Collection method: clinical testing. Allele origin: germline. Affected: yes. Observed: 1 variant allele.

Mayo Clinic Laboratories, Mayo Clinic
Classification: Uncertain significance. Last evaluated: 2025-05-06. Review status: criteria provided, single submitter. Criteria: ACMG Guidelines, 2015. Collection method: clinical testing. Allele origin: germline. Observed: 1 variant allele.
Comment: BP4

Clinical Genomics Laboratory, Washington University in St. Louis
Classification: Uncertain significance for Dilated cardiomyopathy 1G; Hypertrophic cardiomyopathy 9. Last evaluated: 2025-04-09. Review status: criteria provided, single submitter. Criteria: ACMG Guidelines, 2015. Collection method: clinical testing. Allele origin: germline.
Comment: The TTN c.65649G>T (p.Leu21883Phe) variant, to our knowledge, has not been reported in the medical literature. This variant is only observed on 26/278,146 alleles in the general population (gnomAD v2.1.1), indicating it is not a common variant. Computational predictors suggest that the variant does not impact TTN function. This variant has been reported in the ClinVar database as a germline variant of uncertain significance and a likely benign variant by two submitters each (ClinVar Variation ID: 165893). Due to limited information, and based on ACMG/AMP guidelines for variant interpretation (Richards S et al., PMID: 25741868), the clinical significance of this variant is uncertain at this time.

Revvity Omics, Revvity
Classification: Uncertain significance. Last evaluated: 2024-07-12. Review status: criteria provided, single submitter. Criteria: ACMG Guidelines, 2015. Collection method: clinical testing. Allele origin: germline.

Ambry Genetics
Classification: Likely benign for Cardiovascular phenotype. Last evaluated: 2020-05-12. Review status: criteria provided, single submitter. Criteria: Ambry Variant Classification Scheme 2023. Collection method: clinical testing. Allele origin: germline.

Laboratory for Molecular Medicine, Mass General Brigham Personalized Medicine
Classification: Likely benign. Last evaluated: 2019-07-29. Review status: criteria provided, single submitter. Criteria: LMM Criteria. Collection method: clinical testing. Allele origin: germline. Observed: 1 variant allele.
Comment: proposed classification - variant undergoing re-assessment, contact laboratory

Eurofins Ntd Llc (ga)
Classification: Uncertain significance. Last evaluated: 2018-08-23. Review status: criteria provided, single submitter. Criteria: EGL ClinVar v180209 classification definitions. Collection method: clinical testing. Allele origin: germline. Observed: 1 variant allele, 1 heterozygote.

NM_001267550.2(TTN):c.65649G>T (p.Leu21883Phe)

Genes: TTN-AS1 (TTN antisense RNA 1; plus strand), TTN (titin; minus strand). Cytogenetic location: 2q31.2.
Variant type: single nucleotide variant.
Coding change: c.65649G>T on transcript NM_001267550.2 (MANE Select); coding-DNA position 65649, G replaced by T.
Protein change: p.Leu21883Phe; replaces leucine 21883 with phenylalanine.
Molecular consequence: missense variant. On other transcripts: non-coding transcript variant (1).
Genome position (GRCh38, 1-based): chr2:178,583,154, C>A on the plus strand (G>T on the coding strand, the complement: TTN is on the minus strand). VCF-style: chr2-178583154-C-A. GRCh37 (hg19) VCF-style: chr2-179447881-C-A.
Other names: c.60726G>T, p.Leu20242Phe (NM_001256850.1); c.38454G>T, p.Leu12818Phe (NM_003319.4); c.38829G>T, p.Leu12943Phe (NM_133432.3); c.39030G>T, p.Leu13010Phe (NM_133437.4); c.57945G>T, p.Leu19315Phe (NM_133378.4); short protein forms L19315F, L21883F, L13010F, L12943F, L20242F, L12818F.
Identifiers: ClinVar variation 165893 (VCV000165893.20), dbSNP rs374736305, ClinGen allele CA178602.